The following is an entry in ClinVar:

NM_014714.4(IFT140):c.3322G>A (p.Val1108Met)

Gene: IFT140 (intraflagellar transport 140; minus strand). Cytogenetic location: 16p13.3.
Variant type: single nucleotide variant.
Coding change: c.3322G>A on transcript NM_014714.4 (MANE Select); coding-DNA position 3322, G replaced by A.
Protein change: p.Val1108Met; replaces valine 1108 with methionine.
Molecular consequence: missense variant.
Genome position (GRCh38, 1-based): chr16:1,523,649, C>T on the plus strand (G>A on the coding strand, the complement: IFT140 is on the minus strand). VCF-style: chr16-1523649-C-T. GRCh37 (hg19) VCF-style: chr16-1573650-C-T.
Other names: c.3322G>A (NM_014714.3); short protein forms V1108M.
Identifiers: ClinVar variation 1025061 (VCV001025061.10), dbSNP rs2040587996, ClinGen allele CA394225413.

ClinVar aggregate classification (germline): Uncertain significance. Review status: criteria provided, multiple submitters, no conflicts (2 of 4 stars). 2 submissions from 2 submitters: Uncertain significance (2). Last evaluated 2023-09-12.

Conditions:
Inborn genetic diseases. Identifiers: MedGen C0950123, MeSH D030342.
Saldino-Mainzer syndrome (SRTD9). Also called: CONORENAL SYNDROME; Renal dysplasia, retinal pigmentary dystrophy, cerebellar ataxia and skeletal dysplasia; short-rib thoracic dysplasia 9 with or without polydactyly; SHORT-RIB THORACIC DYSPLASIA 9 WITHOUT POLYDACTYLY. Identifiers: Orphanet 140969, MedGen C1849437, MONDO:0009964, OMIM 266920.

Submissions (2):

Ambry Genetics
Classification: Uncertain significance for Inborn genetic diseases. Last evaluated: 2023-09-12. Review status: criteria provided, single submitter. Criteria: Ambry Variant Classification Scheme 2023. Collection method: clinical testing. Allele origin: germline.

Labcorp Genetics (formerly Invitae), Labcorp
Classification: Uncertain significance for Saldino-Mainzer syndrome. Last evaluated: 2022-07-06. Review status: criteria provided, single submitter. Criteria: Invitae Variant Classification Sherloc (09022015). Collection method: clinical testing. Allele origin: germline.
Comment: This variant is not present in population databases (gnomAD no frequency). This sequence change replaces valine, which is neutral and non-polar, with methionine, which is neutral and non-polar, at codon 1108 of the IFT140 protein (p.Val1108Met). This variant has not been reported in the literature in individuals affected with IFT140-related conditions. In summary, the available evidence is currently insufficient to determine the role of this variant in disease. Therefore, it has been classified as a Variant of Uncertain Significance. Algorithms developed to predict the effect of missense changes on protein structure and function output the following: SIFT: "Tolerated"; PolyPhen-2: "Benign"; Align-GVGD: "Class C0". The methionine amino acid residue is found in multiple mammalian species, which suggests that this missense change does not adversely affect protein function. ClinVar contains an entry for this variant (Variation ID: 1025061).